The following is an entry in ClinVar:

NC_000001.11:g.(?_45329296)_(45333334_?)del

Gene: MUTYH (mutY DNA glycosylase; minus strand). Cytogenetic location: 1p34.1.
Variant type: Deletion.
Identifiers: ClinVar variation 639376 (VCV000639376.2).

ClinVar aggregate classification (germline): Pathogenic (1 of 4 stars; one submission).

Conditions:
Familial adenomatous polyposis 2. Also called: COLORECTAL ADENOMATOUS POLYPOSIS, AUTOSOMAL RECESSIVE; ADENOMAS, MULTIPLE COLORECTAL, AUTOSOMAL RECESSIVE; MUTYH-associated polyposis; MUTYH-related attenuated familial adenomatous polyposis; MUTYH Polyposis; Adenomas, multiple colorectal. Identifiers: Orphanet 220460, Orphanet 247798, MedGen C3272841, MONDO:0012041, OMIM 608456.

Submission:

Labcorp Genetics (formerly Invitae), Labcorp
Classification: Pathogenic for MYH-associated polyposis. Last evaluated: 2019-08-01. Review status: criteria provided, single submitter. Criteria: Invitae Variant Classification Sherloc (09022015). Collection method: clinical testing. Allele origin: germline.
Comment: This variant is a gross deletion of the genomic region encompassing exons 4-16 of the MUTYH gene. The 5' boundary is likely confined to intron 3. The 3' end of this event is unknown as it extends through the termination codon beyond the assayed region for this gene and may encompass additional genes. While this deletion is not anticipated to result in nonsense mediated decay, it is expected to create a truncated protein product or disrupt mRNA translation. Loss-of-function variants in MUTYH are known to be pathogenic. This particular variant has been reported in the literature in the homozygous and compound heterozygous state in individuals affected with polyposis and colorectal cancer (PMID: 21962078, 23561487, 24953332). For these reasons, this variant has been classified as Pathogenic.

Literature cited by the submitters: PubMed 23561487; PubMed 21962078; PubMed 24953332.